The following is an entry in ClinVar:

NM_017739.4(POMGNT1):c.1274G>C (p.Trp425Ser)

Genes: TSPAN1 (tetraspanin 1; plus strand), POMGNT1 (protein O-linked mannose N-acetylglucosaminyltransferase 1 (beta 1,2-); minus strand). Cytogenetic location: 1p34.1.
Variant type: single nucleotide variant.
Coding change: c.1274G>C on transcript NM_017739.4 (MANE Select); coding-DNA position 1274, G replaced by C.
Protein change: p.Trp425Ser; replaces tryptophan 425 with serine.
Molecular consequence: missense variant.
Genome position (GRCh38, 1-based): chr1:46,192,528, C>G on the plus strand (G>C on the coding strand, the complement: POMGNT1 is on the minus strand). VCF-style: chr1-46192528-C-G. GRCh37 (hg19) VCF-style: chr1-46658200-C-G.
Other names: NM_017739.4(POMGNT1):c.1274G>C; c.1274G>C, p.Trp425Ser (NM_001243766.2, NM_001410783.1); c.1208G>C, p.Trp403Ser (NM_001290129.3); c.845G>C, p.Trp282Ser (NM_001290130.2); short protein forms W425S, W282S, W403S.
Identifiers: ClinVar variation 56577 (VCV000056577.6), dbSNP rs386834011, ClinGen allele CA263938.

ClinVar aggregate classification (germline): Uncertain significance. Review status: criteria provided, single submitter (1 of 4 stars). 3 submissions from 3 submitters: Uncertain significance (1). 2 of the submissions do not count toward it. Last evaluated 2023-01-24.

Conditions:
Muscle eye brain disease (MEB). Also called: Santavuori congenital muscular dystrophy. Identifiers: Orphanet 588, Orphanet 899, MedGen C0457133, MONDO:0018939.
Muscular dystrophy-dystroglycanopathy (congenital with brain and eye anomalies), type A3. Also called: Congenital muscular dystrophy-dystroglycanopathy with brain and eye anomalies, type A3; Muscular dystrophy-dystroglycanopathy (congenital with brain and eye anomalies), type A, 3; WALKER-WARBURG SYNDROME OR MUSCLE-EYE-BRAIN DISEASE, POMGNT1-RELATED. Identifiers: MedGen C3151519, MONDO:0009667, OMIM 253280.
Muscular dystrophy-dystroglycanopathy. Also called: Congenital muscular dystrophy due to dystroglycanopathy. Identifiers: Orphanet 370953, MedGen C5679911, MONDO:0018276.

Allele frequency attached by ClinVar (database versions not stated): gnomAD exomes below 0.00001; ExAC 0.00001.

Submissions (3):

Broad Center for Mendelian Genomics, Broad Institute of MIT and Harvard
Classification: Uncertain significance for Muscular dystrophy-dystroglycanopathy. Last evaluated: 2023-01-24. Review status: criteria provided, single submitter. Criteria: ACMG Guidelines, 2015. Collection method: curation. Allele origin: germline. Inheritance: Autosomal recessive inheritance.
Comment: The p.Trp425Ser variant in POMGNT1 has been previously reported in the literature in two individuals with muscular dystrophy-dystroglycanopathy (PMID: 23453855, 15466003), and has been identified in 0.005438% (1/18390) East Asian chromosomes by the Genome Aggregation Database (gnomAD; dbSNP ID: rs386834011). Although this variant has been seen in the general population in a heterozygous state, its frequency is low enough to be consistent with a recessive carrier frequency. This variant has also been reported in ClinVar (Variation ID#:56577) as likely pathogenic for muscular dystrophy-dystroglycanopathy by Juha Muilu Group; Institute for Molecular Medicine Finland (FIMM) and Counsyl. Of these two affected individuals, one was a homozygote, which increases the likelihood that the p.Trp425Ser variant is pathogenic (PMID: 23453855). In vitro functional studies provide some evidence that the p.Trp425Ser variant may impact protein function, as reflected by reduced catalytic activity in an in vitro enzymatic activity assay (PMID: 21361872). However, these types of assays may not accurately represent biological function. Computational prediction tools and conservation analyses suggest that this variant may impact the protein, though this information is not predictive enough to determine pathogenicity. In summary, the clinical significance of the p.Trp425Ser variant is uncertain. ACMG/AMP Criteria applied: PS3_Supporting, PM2_Supporting, PM3_Supporting, PP3 (Richards 2015).

Counsyl
Classification: Likely pathogenic for Muscular dystrophy-dystroglycanopathy (congenital with brain and eye anomalies), type A3. Last evaluated: 2016-08-31. Review status: no assertion criteria provided. Collection method: clinical testing. Allele origin: unknown. Not counted in ClinVar's aggregate classification.

Juha Muilu Group; Institute for Molecular Medicine Finland (FIMM)
Classification: Likely pathogenic for Muscle eye brain disease. Review status: no assertion criteria provided. Collection method: not provided. Allele origin: unknown. Not counted in ClinVar's aggregate classification.
Comment: FinDis database variant: This variant was not found or characterized by our laboratory, data were collected from public sources: see reference
ClinVar note: Converted during submission from probable-pathogenic to Likely pathogenic.

Literature cited by the submitters: PubMed 23453855 (cited by Counsyl); PubMed 15466003 (cited by Counsyl); PubMed 21361872 (cited by Counsyl).